The following is an entry in ClinVar:

NM_213599.3(ANO5):c.1520del (p.Phe507fs)

Gene: ANO5 (anoctamin 5; plus strand). Cytogenetic location: 11p14.3.
Variant type: Deletion.
Coding change: c.1520del on transcript NM_213599.3 (MANE Select); coding-DNA position 1520, one base deleted (T; older notation c.1520delT).
Protein change: p.Phe507fs; shifts the reading frame from phenylalanine 507.
Molecular consequence: frameshift variant.
Genome position (GRCh38, 1-based): chr11:22,259,631, T deleted; the last of 2 consecutive T bases (chr11:22,259,630-22,259,631); deleting either gives the same sequence. VCF-style (leftmost placement, unchanged base first): chr11-22259629-CT-C. GRCh37 (hg19) VCF-style: chr11-22281175-CT-C.
Other names: c.1520delT (NM_213599.2, NM_213599.3); c.1517del, p.Phe506fs (NM_001142649.2); short protein forms F506fs, F507fs.
Identifiers: ClinVar variation 194577 (VCV000194577.61), dbSNP rs794727158, ClinGen allele CA201242.

ClinVar aggregate classification (germline): Pathogenic. Review status: criteria provided, multiple submitters, no conflicts (2 of 4 stars). 12 submissions from 12 submitters: Pathogenic (12). Last evaluated 2026-02-05.

Conditions:
ANO5-related disorder. Also called: ANO5-related condition; ANO5-related disorders. Identifiers: MedGen CN239193.
Autosomal recessive limb-girdle muscular dystrophy type 2L (LGMDR12). Also called: MUSCULAR DYSTROPHY, LIMB-GIRDLE, AUTOSOMAL RECESSIVE 12; Limb-girdle muscular dystrophy, type 2L; Limb-Girdle Muscular Dystrophy R12 Anoctamin-5-Related (LGMD-R12). Identifiers: Orphanet 206549, MedGen C1969785, MONDO:0012652, OMIM 611307.
Miyoshi muscular dystrophy 3 (MMD3). Also called: Miyoshi myopathy 3; Miyoshi Muscular Dystrophy 3 (MMD3). Identifiers: Orphanet 399096, MedGen C2750076, MONDO:0013222, OMIM 613319.
Gnathodiaphyseal dysplasia (GDD). Also called: GNATHODIAPHYSEAL SCLEROSIS; OSTEOGENESIS IMPERFECTA WITH UNUSUAL SKELETAL LESIONS. Identifiers: Orphanet 53697, MedGen C1833736, MONDO:0008151, OMIM 166260.
Autosomal recessive limb-girdle muscular dystrophy. Identifiers: Orphanet 102015, MedGen C2931907, MONDO:0015152.

Submissions (12):

Institute of Human Genetics, FAU Erlangen, Friedrich-Alexander-Universität Erlangen-Nürnberg
Classification: Pathogenic. Last evaluated: 2026-02-05. Review status: criteria provided, single submitter. Criteria: Hauer et al. (Genet Med. 2018). Collection method: clinical testing. Allele origin: germline. Inheritance: Unknown mechanism. Affected: yes. Observed: 1 variant allele.
Comment: This variant has been identified by standard clinical testing. Selected ACMG criteria: Pathogenic (I):PP5;PM3;PM2;PVS1

Labcorp Genetics (formerly Invitae), Labcorp
Classification: Pathogenic for Autosomal recessive limb-girdle muscular dystrophy type 2L; Gnathodiaphyseal dysplasia. Last evaluated: 2025-12-01. Review status: criteria provided, single submitter. Criteria: Invitae Variant Classification Sherloc (09022015). Collection method: clinical testing. Allele origin: germline.
Comment: This sequence change creates a premature translational stop signal (p.Phe507Serfs*6) in the ANO5 gene. It is expected to result in an absent or disrupted protein product. Loss-of-function variants in ANO5 are known to be pathogenic (PMID: 21186264, 23606453, 25891276, 30919934). This variant is not present in population databases (gnomAD no frequency). This premature translational stop signal has been observed in individuals with muscular dystrophy (PMID: 22402862, 22980763, 23041008). ClinVar contains an entry for this variant (Variation ID: 194577). Algorithms developed to predict the effect of sequence changes on RNA splicing suggest that this variant may disrupt the consensus splice site. For these reasons, this variant has been classified as Pathogenic.

First Genomix Gene Laboratory, Genetic Diagnostics Department
Classification: Pathogenic for Miyoshi muscular dystrophy 3; Autosomal recessive limb-girdle muscular dystrophy type 2L. Last evaluated: 2025-01-13. Review status: criteria provided, single submitter. Criteria: ACMG Guidelines, 2015. Collection method: clinical testing. Allele origin: germline. Inheritance: Autosomal recessive inheritance. Affected: no. Observed: 1 variant allele.

Molecular Genetics, Royal Melbourne Hospital
Classification: Pathogenic for Autosomal recessive limb-girdle muscular dystrophy. Last evaluated: 2024-10-03. Review status: criteria provided, single submitter. Criteria: ACMG Guidelines, 2015. Collection method: clinical testing. Allele origin: germline. Inheritance: Autosomal recessive inheritance. Affected: yes.
Comment: This sequence change in ANO5 is a frameshift variant predicted to create a premature stop codon, p.(Phe507Serfs*6), in biologically relevant exon 15/22 leading to nonsense-mediated decay in a gene in which loss-of-function is an established disease mechanism (PMID: 23193613). Loss-of-function variants are a well-established cause of disease in exon 15 (ClinVar). The highest population minor allele frequency in the population database gnomAD v4.1 is 0.001% (12/1,179,948 alleles) in the European (non-Finnish) population. This variant has been detected as homozygous and compound heterozygous in multiple individuals with phenotypes including limb-girdle muscular dystrophy and isolated unexplained raised serum creatine kinase levels (PMID: 25891276, 22980763, 23670307). Based on the classification scheme RMH Modified ACMG/AMP Guidelines v1.7.0, this variant is classified as PATHOGENIC. Following criteria are met: PM2_Supporting, PM3, PM5_Supporting, PVS1.

Blueprint Genetics
Classification: Pathogenic for ANO5-related disorders. Last evaluated: 2024-09-24. Review status: criteria provided, single submitter. Criteria: ACMG Guidelines, 2015. Collection method: clinical testing. Allele origin: germline. Affected: yes. Observed: 5 variant alleles.

Women's Health and Genetics/Laboratory Corporation of America, LabCorp
Classification: Pathogenic for Autosomal recessive limb-girdle muscular dystrophy. Last evaluated: 2023-11-10. Review status: criteria provided, single submitter. Criteria: LabCorp Variant Classification Summary - May 2015. Collection method: clinical testing. Allele origin: germline.
Comment: Variant summary: ANO5 c.1520delT (p.Phe507SerfsX6) results in a premature termination codon, predicted to cause a truncation of the encoded protein or absence of the protein due to nonsense mediated decay, which are commonly known mechanisms for disease. The variant was absent in 251290 control chromosomes (gnomAD). c.1520delT has been reported in the literature in individuals affected with Limb-Girdle Muscular Dystrophy, Autosomal Recessive (Penttil_2012, Sarkozy_2012). These data indicate that the variant may be associated with disease. To our knowledge, no experimental evidence demonstrating an impact on protein function has been reported. The following publications have been ascertained in the context of this evaluation (PMID: 22402862, 22980763, 23041008). Seven submitters have cited clinical-significance assessments for this variant to ClinVar after 2014. All submitters classified the variant as pathogenic. Based on the evidence outlined above, the variant was classified as pathogenic.

3billion
Classification: Pathogenic for Autosomal recessive limb-girdle muscular dystrophy type 2L. Last evaluated: 2023-02-23. Review status: criteria provided, single submitter. Criteria: ACMG Guidelines, 2015. Collection method: clinical testing. Allele origin: unknown. Affected: yes.
Comment: The variant is not observed in the gnomAD v2.1.1 dataset. This variant was predicted to result in a loss or disruption of normal protein function through nonsense-mediated decay (NMD) or protein truncation. Multiple pathogenic variants are reported downstream of the variant. The variant has been reported to be in trans with a pathogenic variant as either compound heterozygous or homozygous in at least one similarly affected unrelated individual (PMID: 25891276). The variant has been reported at least twice as pathogenic with clinical assertions and evidence for the classification (ClinVar ID: VCV000194577 / PMID: 22402862). Therefore, this variant is classified as Pathogenic according to the recommendation of ACMG/AMP guideline.

Revvity Omics, Revvity
Classification: Pathogenic. Last evaluated: 2021-09-07. Review status: criteria provided, single submitter. Criteria: ACMG Guidelines, 2015. Collection method: clinical testing. Allele origin: germline.

Institute of Medical Genetics and Applied Genomics, University Hospital Tübingen
Classification: Pathogenic. Last evaluated: 2020-10-23. Review status: criteria provided, single submitter. Criteria: ACMG Guidelines, 2015. Collection method: clinical testing. Allele origin: germline. Inheritance: Unknown mechanism. Affected: yes.

CeGaT Center for Human Genetics Tuebingen
Classification: Pathogenic. Last evaluated: 2020-05-01. Review status: criteria provided, single submitter. Criteria: CeGaT Center For Human Genetics Tuebingen Variant Classification Criteria Version 2. Collection method: clinical testing. Allele origin: germline. Affected: yes. Observed: 1 variant allele.

Laboratory of Medical Genetics, National & Kapodistrian University of Athens
Classification: Pathogenic for Autosomal recessive limb-girdle muscular dystrophy type 2L. Last evaluated: 2018-11-20. Review status: criteria provided, single submitter. Criteria: ACMG Guidelines, 2015. Collection method: clinical testing. Allele origin: germline. Affected: yes.
Comment: PVS1, PM2, PM3

Eurofins Ntd Llc (ga)
Classification: Pathogenic. Last evaluated: 2015-01-17. Review status: criteria provided, single submitter. Criteria: EGL Classification Definitions 2015. Collection method: clinical testing. Allele origin: germline. Observed: 2 variant alleles, 2 heterozygotes.

Literature cited by the submitters: PubMed 21186264 (cited by Labcorp Genetics (formerly Invitae), Labcorp); PubMed 23606453 (cited by Labcorp Genetics (formerly Invitae), Labcorp); PubMed 25891276 (cited by 3 submitters); PubMed 30919934 (cited by Labcorp Genetics (formerly Invitae), Labcorp); PubMed 22402862 (cited by 3 submitters); PubMed 22980763 (cited by 3 submitters); PubMed 23041008 (cited by Labcorp Genetics (formerly Invitae), Labcorp and Women's Health and Genetics/Laboratory Corporation of America, LabCorp); PubMed 23193613 (cited by Molecular Genetics, Royal Melbourne Hospital).